The following is an entry in ClinVar:

ClinVar aggregate classification (germline): Uncertain significance (1 of 4 stars; one submission).

Submission:

Women's Health and Genetics/Laboratory Corporation of America, LabCorp
Classification: Uncertain significance. Last evaluated: 2025-09-23. Review status: criteria provided, single submitter. Criteria: LabCorp Variant Classification Summary - May 2015. Collection method: clinical testing. Allele origin: germline.
Comment: Variant summary: The variant involves the deletion of exon 12 in the NBAS gene. This Copy Number Variant (CNV) is predicted to result in an in-frame deletion within this gene. Loss-of-function variants in this gene are known to be pathogenic. A presumed nomenclature of c.(954+1_955-1)_(1083+1_1084-1)del has been designated for the purposes of this classification. The variant was absent in 21694 control chromosomes. The available data on variant occurrences in the general population are insufficient to allow any conclusion about variant significance. To our knowledge, no occurrence of c.(954+1_955-1)_(1083+1_1084-1)del in individuals affected with NBAS-related conditions and no experimental evidence demonstrating its impact on protein function have been reported. No submitters have cited clinical-significance assessments for this variant to ClinVar. Based on the evidence outlined above, the variant was classified as uncertain significance.

NC_000002.11:g.(15618414_15629017)_(15629147_15644268)del

Gene: NBAS (NBAS subunit of NRZ tethering complex; minus strand). Cytogenetic location: 2p24.3.
Variant type: Deletion.
Identifiers: ClinVar variation 4536033 (VCV004536033.1).